The following is an entry in ClinVar:

ClinVar aggregate classification (germline): Conflicting classifications of pathogenicity. Review status: criteria provided, conflicting classifications (1 of 4 stars). 3 submissions from 3 submitters: Uncertain significance (1); Likely benign (2). Last evaluated 2025-08-19.

Conditions:
Early-infantile DEE. Also called: Early infantile epileptic encephalopathy; Ohtahara syndrome; Early infantile epileptic encephalopathy with suppression bursts. Identifiers: Orphanet 1934, MedGen C0393706, MONDO:0800491.

Allele frequency attached by ClinVar (database versions not stated): TOPMed 0.00002; gnomAD exomes 0.00004 and 0.00010; ExAC 0.00009.
gnomAD v4.1: 26 of 1,612,136 alleles (0.0016%); highest among the groups gnomAD compares: Admixed American, 0.042%; no homozygotes.

Submissions (3):

Labcorp Genetics (formerly Invitae), Labcorp
Classification: Likely benign for Early-infantile DEE. Last evaluated: 2025-08-19. Review status: criteria provided, single submitter. Criteria: Invitae Variant Classification Sherloc (09022015). Collection method: clinical testing. Allele origin: germline.

GeneDx
Classification: Likely benign. Last evaluated: 2018-06-05. Review status: criteria provided, single submitter. Criteria: GeneDx Variant Classification (06012015). Collection method: clinical testing. Allele origin: germline. Affected: yes.
Comment: This variant is considered likely benign or benign based on one or more of the following criteria: it is a conservative change, it occurs at a poorly conserved position in the protein, it is predicted to be benign by multiple in silico algorithms, and/or has population frequency not consistent with disease.

Eurofins Ntd Llc (ga)
Classification: Uncertain significance. Last evaluated: 2016-04-12. Review status: criteria provided, single submitter. Criteria: EGL Classification Definitions 2015. Collection method: clinical testing. Allele origin: germline. Observed: 2 variant alleles, 2 heterozygotes.

NM_001165963.4(SCN1A):c.597A>G (p.Thr199=)

Gene: SCN1A (sodium voltage-gated channel alpha subunit 1; minus strand). Cytogenetic location: 2q24.3.
Variant type: single nucleotide variant.
Coding change: c.597A>G on transcript NM_001165963.4 (MANE Select); coding-DNA position 597, A replaced by G.
Protein change: p.Thr199=; no amino-acid change (threonine 199 retained).
Molecular consequence: synonymous variant. On other transcripts: 5 prime UTR variant (1), non-coding transcript variant (1).
Genome position (GRCh38, 1-based): chr2:166,054,643, T>C on the plus strand (A>G on the coding strand, the complement: SCN1A is on the minus strand). VCF-style: chr2-166054643-T-C. GRCh37 (hg19) VCF-style: chr2-166911153-T-C.
Other names: c.597A>G, p.Thr199= (NM_001165964.3, NM_001202435.3, NM_001353948.2 and 10 more transcripts); c.-1829A>G (NM_001353961.2).
Identifiers: ClinVar variation 93662 (VCV000093662.17), dbSNP rs398123600, ClinGen allele CA221615.